The following is an entry in ClinVar:

ClinVar aggregate classification (germline): Pathogenic (1 of 4 stars; one submission).

Submission:

Quest Diagnostics Nichols Institute San Juan Capistrano
Classification: Pathogenic. Last evaluated: 2021-12-06. Review status: criteria provided, single submitter. Criteria: ACMG/ClinGen CNV Guidelines, 2019. Collection method: clinical testing. Allele origin: unknown.
Comment: This copy number gain includes the PMP22 gene (OMIM 601097) and is consistent with Charcot-Marie-Tooth disease type 1A (OMIM 118220). Duplication of PMP22 accounts for 70-80% of all Charcot-Marie-Tooth neuropathy type 1 (CMT1), a demyelinating peripheral neuropathy characterized by distal muscle weakness, atrophy, sensory loss, and slow nerve conduction velocity. The penetrance of this duplication is thought to be near 100%; however, age of onset and severity of the condition are variable, and some carriers are not clinically recognized. Approximately two thirds of PMP22 duplications are inherited. See GeneReviews for additional information and references.

GRCh37/hg19 17p12(chr17:14083055-15483608)x3

Genes: CDRT15 (CMT1A duplicated region transcript 15; minus strand), CDRT4 (CMT1A duplicated region transcript 4; minus strand), COX10 (cytochrome c oxidase assembly factor heme A:farnesyltransferase COX10; plus strand), HS3ST3B1 (heparan sulfate-glucosamine 3-sulfotransferase 3B1; plus strand), PMP22 (peripheral myelin protein 22; minus strand) and 3 more. Cytogenetic location: 17p12.
Variant type: copy number gain.
Change: copy number 3 (three copies instead of two) of chr17:14,083,055-15,483,608 (1.40 Mb, GRCh37 coordinates, 1-based), cytogenetic band 17p12.
Identifiers: ClinVar variation 1807821 (VCV001807821.1).